The following is an entry in ClinVar:

ClinVar aggregate classification (germline): Uncertain significance (1 of 4 stars; one submission).

Allele frequency attached by ClinVar (database versions not stated): gnomAD exomes below 0.00001.
gnomAD v4.1: 1 of 1,614,160 alleles (0.000062%); highest among the groups gnomAD compares: Non-Finnish European, 0.000085%; no homozygotes.

Submission:

Labcorp Genetics (formerly Invitae), Labcorp
Classification: Uncertain significance. Last evaluated: 2024-12-13. Review status: criteria provided, single submitter. Criteria: Invitae Variant Classification Sherloc (09022015). Collection method: clinical testing. Allele origin: germline.
Comment: This sequence change replaces leucine, which is neutral and non-polar, with phenylalanine, which is neutral and non-polar, at codon 281 of the TWNK protein (p.Leu281Phe). This variant is not present in population databases (gnomAD no frequency). This variant has not been reported in the literature in individuals affected with TWNK-related conditions. ClinVar contains an entry for this variant (Variation ID: 2099589). Invitae Evidence Modeling of protein sequence and biophysical properties (such as structural, functional, and spatial information, amino acid conservation, physicochemical variation, residue mobility, and thermodynamic stability) indicates that this missense variant is expected to disrupt TWNK protein function with a positive predictive value of 80%. In summary, the available evidence is currently insufficient to determine the role of this variant in disease. Therefore, it has been classified as a Variant of Uncertain Significance.

NM_021830.5(TWNK):c.841C>T (p.Leu281Phe)

Gene: TWNK (twinkle mtDNA helicase; plus strand). Cytogenetic location: 10q24.31.
Variant type: single nucleotide variant.
Coding change: c.841C>T on transcript NM_021830.5 (MANE Select); coding-DNA position 841, C replaced by T.
Protein change: p.Leu281Phe; replaces leucine 281 with phenylalanine.
Molecular consequence: missense variant. On other transcripts: non-coding transcript variant (4), intron variant (3).
Genome position (GRCh38, 1-based): chr10:100,989,051, C>T. VCF-style: chr10-100989051-C-T. GRCh37 (hg19) VCF-style: chr10-102748808-C-T.
Other names: c.841C>T, p.Leu281Phe (NM_001163812.2); c.-119-593C>T (NM_001163814.2, NM_001163813.2); c.-57-655C>T (NM_001368275.1); short protein forms L281F.
Identifiers: ClinVar variation 2099589 (VCV002099589.4), dbSNP rs1851682194, ClinGen allele CA378208682.